The following is an entry in ClinVar:

ClinVar aggregate classification (germline): Likely pathogenic (1 of 4 stars; one submission).

Submission:

GeneDx
Classification: Likely pathogenic. Last evaluated: 2016-02-03. Review status: criteria provided, single submitter. Criteria: GeneDx Variant Classification (06012015). Collection method: clinical testing. Allele origin: germline. Affected: yes.
Comment: The c.40+5G>C pathogenic variant in the COX7B gene has not been reported previously as a pathogenic variant nor as a benign variant, to our knowledge. This variant reduces the quality of the splice donor site in intron 1, and is expected to cause abnormal gene splicing. The c.40+5G>C variant was not observed in approximately 6500 individuals of European and African American ancestry in the NHLBI Exome Sequencing Project, indicating it is not a common benign variant in these populations. The de novo c.40+5G>C variant is a strong candidate for a pathogenic variant, however the possibility it may be a rare benign variant cannot be excluded.

NM_001866.3(COX7B):c.40+5G>C

Genes: COX7B (cytochrome c oxidase subunit 7B; plus strand), LOC130068461 (ATAC-STARR-seq lymphoblastoid active region 29782; plus strand). Cytogenetic location: Xq21.1.
Variant type: single nucleotide variant.
Coding change: c.40+5G>C on transcript NM_001866.3 (MANE Select); 5 bases into the intron after coding-DNA position 40, G replaced by C.
Molecular consequence: intron variant.
Genome position (GRCh38, 1-based): chrX:77,899,598, G>C. VCF-style: chrX-77899598-G-C. GRCh37 (hg19) VCF-style: chrX-77155095-G-C.
Other names: c.40+5G>C (LRG_1250t1).
Identifiers: ClinVar variation 449642 (VCV000449642.2), dbSNP rs1557220472, ClinGen allele CA658659019.